The following is an entry in ClinVar:

NM_001113378.2(FANCI):c.2810C>G (p.Thr937Arg)

Gene: FANCI (FA complementation group I; plus strand). Cytogenetic location: 15q26.1.
Variant type: single nucleotide variant.
Coding change: c.2810C>G on transcript NM_001113378.2 (MANE Select); coding-DNA position 2810, C replaced by G.
Protein change: p.Thr937Arg; replaces threonine 937 with arginine.
Molecular consequence: missense variant.
Genome position (GRCh38, 1-based): chr15:89,300,306, C>G. VCF-style: chr15-89300306-C-G. GRCh37 (hg19) VCF-style: chr15-89843537-C-G.
Other names: c.2531C>G, p.Thr844Arg (NM_001376910.1); c.2810C>G, p.Thr937Arg (NM_001376911.1); c.2630C>G, p.Thr877Arg (NM_018193.3); short protein forms T877R, T844R, T937R.
Identifiers: ClinVar variation 1421280 (VCV001421280.6), dbSNP rs2151844601, ClinGen allele CA393737250.
Genomic context (GRCh38, chr15:89,300,306, plus strand): 5'-CCAAAAAGTATGAGTTTATATCAAAGAAGACAAGAGTTTCTTTTCCATTCCTAGATGTCA[C>G]AGATAAGGAAGGAGAAGAGAGAGAAGATGCAGATGTCAGTGTCACTCAGAGAACAGCATT-3'
Protein context (NP_001106849.1, residues 927-947): IQQFLRALDV[Thr937Arg]DKEGEEREDA

ClinVar aggregate classification (germline): Uncertain significance (1 of 4 stars; one submission).

Conditions:
Fanconi anemia (FA). Also called: Fanconi's anemia. Identifiers: Orphanet 84, MedGen C0015625, MeSH D005199, MONDO:0019391.

gnomAD v4.1: 1 of 1,613,176 alleles (0.000062%); highest among the groups gnomAD compares: East Asian, 0.0022%; no homozygotes.

Submission:

Labcorp Genetics (formerly Invitae), Labcorp
Classification: Uncertain significance for Fanconi anemia. Last evaluated: 2021-08-19. Review status: criteria provided, single submitter. Criteria: Invitae Variant Classification Sherloc (09022015). Collection method: clinical testing. Allele origin: germline.
Comment: In summary, the available evidence is currently insufficient to determine the role of this variant in disease. Therefore, it has been classified as a Variant of Uncertain Significance. Algorithms developed to predict the effect of missense changes on protein structure and function (SIFT, PolyPhen-2, Align-GVGD) all suggest that this variant is likely to be tolerated. This variant has not been reported in the literature in individuals affected with FANCI-related conditions. This variant is not present in population databases (ExAC no frequency). This sequence change replaces threonine with arginine at codon 937 of the FANCI protein (p.Thr937Arg). The threonine residue is weakly conserved and there is a moderate physicochemical difference between threonine and arginine.